The following is an entry in ClinVar:

NM_021815.5(SLC5A7):c.1122C>A (p.Asp374Glu)

Gene: SLC5A7 (solute carrier family 5 member 7; plus strand). Cytogenetic location: 2q12.3.
Variant type: single nucleotide variant.
Coding change: c.1122C>A on transcript NM_021815.5 (MANE Select); coding-DNA position 1122, C replaced by A.
Protein change: p.Asp374Glu; replaces aspartic acid 374 with glutamic acid.
Molecular consequence: missense variant.
Genome position (GRCh38, 1-based): chr2:108,010,240, C>A. VCF-style: chr2-108010240-C-A. GRCh37 (hg19) VCF-style: chr2-108626696-C-A.
Other names: c.1122C>A, p.Asp374Glu (NM_001305005.3); c.807C>A, p.Asp269Glu (NM_001305006.3); c.381C>A, p.Asp127Glu (NM_001305007.3); c.1122C>A (NM_021815.4); short protein forms D127E, D269E, D374E.
Identifiers: ClinVar variation 1023988 (VCV001023988.10), dbSNP rs765428136, ClinGen allele CA1819136.

ClinVar aggregate classification (germline): Uncertain significance. Review status: criteria provided, multiple submitters, no conflicts (2 of 4 stars). 4 submissions from 4 submitters: Uncertain significance (3). 1 of the submissions does not count toward it. Last evaluated 2024-09-23.

Conditions:
SLC5A7-related disorder. Also called: SLC5A7-related condition.
Congenital myasthenic syndrome 20. Also called: Myasthenic syndrome, congenital, 20, presynaptic. Identifiers: MedGen C4310694, MONDO:0014939, OMIM 617143.
Neuronopathy, distal hereditary motor, type 7A. Also called: HARPER-YOUNG MYOPATHY; HMN VIIA; Neuronopathy, distal hereditary motor, type viia; NEURONOPATHY, DISTAL HEREDITARY MOTOR, HARDING TYPE VIIA; NEUROPATHY, DISTAL HEREDITARY MOTOR, HARDING TYPE VIIA; SPINAL MUSCULAR ATROPHY, DISTAL, WITH VOCAL CORD PARALYSIS. Identifiers: Orphanet 139589, MedGen C1834703, MONDO:0008024, OMIM 158580.
Inborn genetic diseases. Identifiers: MedGen C0950123, MeSH D030342.

Allele frequency attached by ClinVar (database versions not stated): gnomAD 0.00001; gnomAD exomes 0.00003 and 0.00004; ExAC 0.00006.

Submissions (4):

Labcorp Genetics (formerly Invitae), Labcorp
Classification: Uncertain significance for Neuronopathy, distal hereditary motor, type 7A; Congenital myasthenic syndrome 20. Last evaluated: 2024-09-23. Review status: criteria provided, single submitter. Criteria: Invitae Variant Classification Sherloc (09022015). Collection method: clinical testing. Allele origin: germline.
Comment: This sequence change replaces aspartic acid, which is acidic and polar, with glutamic acid, which is acidic and polar, at codon 374 of the SLC5A7 protein (p.Asp374Glu). This variant is present in population databases (rs765428136, gnomAD 0.009%). This variant has not been reported in the literature in individuals affected with SLC5A7-related conditions. ClinVar contains an entry for this variant (Variation ID: 1023988). Invitae Evidence Modeling of protein sequence and biophysical properties (such as structural, functional, and spatial information, amino acid conservation, physicochemical variation, residue mobility, and thermodynamic stability) indicates that this missense variant is not expected to disrupt SLC5A7 protein function with a negative predictive value of 80%. In summary, the available evidence is currently insufficient to determine the role of this variant in disease. Therefore, it has been classified as a Variant of Uncertain Significance.

Ambry Genetics
Classification: Uncertain significance for Inborn genetic diseases. Last evaluated: 2023-10-02. Review status: criteria provided, single submitter. Criteria: Ambry Variant Classification Scheme 2023. Collection method: clinical testing. Allele origin: germline.

Revvity Omics, Revvity
Classification: Uncertain significance. Last evaluated: 2023-02-24. Review status: criteria provided, single submitter. Criteria: ACMG Guidelines, 2015. Collection method: clinical testing. Allele origin: germline.

PreventionGenetics, part of Exact Sciences
Classification: Uncertain significance for SLC5A7-related condition. Last evaluated: 2024-03-23. Review status: no assertion criteria provided. Collection method: clinical testing. Allele origin: germline. Not counted in ClinVar's aggregate classification.
Comment: The SLC5A7 c.1122C>A variant is predicted to result in the amino acid substitution p.Asp374Glu. To our knowledge, this variant has not been reported in the literature. This variant is reported in 0.0089% of alleles in individuals of European (Non-Finnish) descent in gnomAD. At this time, the clinical significance of this variant is uncertain due to the absence of conclusive functional and genetic evidence.